The following is an entry in ClinVar:

ClinVar aggregate classification (germline): Uncertain significance (1 of 4 stars; one submission).

Conditions:
Ehlers-Danlos syndrome, classic type, 1 (EDSCL1). Also called: EHLERS-DANLOS SYNDROME, GRAVIS TYPE; EHLERS-DANLOS SYNDROME, SEVERE CLASSIC TYPE; Ehlers-Danlos syndrome, type 1; Ehlers-Danlos Syndrome, Classic Type, COL5A1-Related; EDS I. Identifiers: MedGen C0268335, MONDO:0019567, OMIM 130000.

Submission:

Labcorp Genetics (formerly Invitae), Labcorp
Classification: Uncertain significance for Ehlers-Danlos syndrome, classic type, 1. Last evaluated: 2024-01-05. Review status: criteria provided, single submitter. Criteria: Invitae Variant Classification Sherloc (09022015). Collection method: clinical testing. Allele origin: germline.
Comment: This sequence change replaces threonine, which is neutral and polar, with isoleucine, which is neutral and non-polar, at codon 485 of the COL5A1 protein (p.Thr485Ile). This variant is not present in population databases (gnomAD no frequency). This variant has not been reported in the literature in individuals affected with COL5A1-related conditions. Advanced modeling of protein sequence and biophysical properties (such as structural, functional, and spatial information, amino acid conservation, physicochemical variation, residue mobility, and thermodynamic stability) performed at Invitae indicates that this missense variant is not expected to disrupt COL5A1 protein function with a negative predictive value of 95%. In summary, the available evidence is currently insufficient to determine the role of this variant in disease. Therefore, it has been classified as a Variant of Uncertain Significance.

NM_000093.5(COL5A1):c.1454C>T (p.Thr485Ile)

Gene: COL5A1 (collagen type V alpha 1 chain; plus strand). Cytogenetic location: 9q34.3.
Variant type: single nucleotide variant.
Coding change: c.1454C>T on transcript NM_000093.5 (MANE Select); coding-DNA position 1454, C replaced by T.
Protein change: p.Thr485Ile; replaces threonine 485 with isoleucine.
Molecular consequence: missense variant.
Genome position (GRCh38, 1-based): chr9:134,738,768, C>T. VCF-style: chr9-134738768-C-T. GRCh37 (hg19) VCF-style: chr9-137630614-C-T.
Other names: c.1454C>T, p.Thr485Ile (NM_001278074.1); short protein forms T485I.
Identifiers: ClinVar variation 2739827 (VCV002739827.3), dbSNP rs2490536429, ClinGen allele CA375441308.